The following is an entry in ClinVar:

NM_206926.2(SELENON):c.1402A>T (p.Asn468Tyr)

Gene: SELENON (selenoprotein N; plus strand). Cytogenetic location: 1p36.11.
Variant type: single nucleotide variant.
Coding change: c.1402A>T on transcript NM_206926.2 (MANE Select); coding-DNA position 1402, A replaced by T.
Protein change: p.Asn468Tyr; replaces asparagine 468 with tyrosine.
Molecular consequence: missense variant.
Genome position (GRCh38, 1-based): chr1:25,814,080, A>T. VCF-style: chr1-25814080-A-T. GRCh37 (hg19) VCF-style: chr1-26140571-A-T.
Other names: c.1504A>T, p.Asn502Tyr (NM_020451.3); short protein forms N502Y, N468Y.
Identifiers: ClinVar variation 2119014 (VCV002119014.4), dbSNP rs1213706277, ClinGen allele CA339119666.

ClinVar aggregate classification (germline): Uncertain significance (1 of 4 stars; one submission).

Conditions:
Eichsfeld type congenital muscular dystrophy (CMYO3). Also called: Rigid spine muscular dystrophy 1; MYOPATHY, SEPN1-RELATED; SELENON-related myopathy; Congenital myopathy 3 with rigid spine. Identifiers: MedGen C0410180, MONDO:0100100, OMIM 602771.

Submission:

Labcorp Genetics (formerly Invitae), Labcorp
Classification: Uncertain significance for Eichsfeld type congenital muscular dystrophy. Last evaluated: 2022-03-28. Review status: criteria provided, single submitter. Criteria: Invitae Variant Classification Sherloc (09022015). Collection method: clinical testing. Allele origin: germline.
Comment: In summary, the available evidence is currently insufficient to determine the role of this variant in disease. Therefore, it has been classified as a Variant of Uncertain Significance. Algorithms developed to predict the effect of missense changes on protein structure and function are either unavailable or do not agree on the potential impact of this missense change (SIFT: "Deleterious"; PolyPhen-2: "Possibly Damaging"; Align-GVGD: "Class C0"). This variant has not been reported in the literature in individuals affected with SELENON-related conditions. This variant is not present in population databases (gnomAD no frequency). This sequence change replaces asparagine, which is neutral and polar, with tyrosine, which is neutral and polar, at codon 502 of the SELENON protein (p.Asn502Tyr).